The following is an entry in ClinVar:

NM_014639.4(SKIC3):c.4382A>G (p.Asp1461Gly)

Gene: SKIC3 (SKI3 subunit of superkiller complex; minus strand). Cytogenetic location: 5q15.
Variant type: single nucleotide variant.
Coding change: c.4382A>G on transcript NM_014639.4 (MANE Select); coding-DNA position 4382, A replaced by G.
Protein change: p.Asp1461Gly; replaces aspartic acid 1461 with glycine.
Molecular consequence: missense variant.
Genome position (GRCh38, 1-based): chr5:95,469,894, T>C on the plus strand (A>G on the coding strand, the complement: SKIC3 is on the minus strand). VCF-style: chr5-95469894-T-C. GRCh37 (hg19) VCF-style: chr5-94805598-T-C.
Other names: short protein forms D1461G.
Identifiers: ClinVar variation 1030341 (VCV001030341.4), dbSNP rs766633696, ClinGen allele CA3346400.

ClinVar aggregate classification (germline): Uncertain significance. Review status: criteria provided, multiple submitters, no conflicts (2 of 4 stars). 3 submissions from 3 submitters: Uncertain significance (3). Last evaluated 2024-08-19.

Conditions:
Trichohepatoenteric syndrome 1 (THES1). Also called: DIARRHEA, FATAL INFANTILE, WITH TRICHORRHEXIS NODOSA. Identifiers: Orphanet 84064, MedGen C4551982, MONDO:0024541, OMIM 222470.
Inborn genetic diseases. Identifiers: MedGen C0950123, MeSH D030342.

Allele frequency attached by ClinVar (database versions not stated): gnomAD 0.00001; ExAC 0.00002; TOPMed 0.00001; gnomAD exomes 0.00002.
gnomAD v4.1: 58 of 1,613,990 alleles (0.0036%); highest among the groups gnomAD compares: Non-Finnish European, 0.0046%; no homozygotes.

Submissions (3):

Ambry Genetics
Classification: Uncertain significance for Inborn genetic diseases. Last evaluated: 2024-08-19. Review status: criteria provided, single submitter. Criteria: Ambry Variant Classification Scheme 2023. Collection method: clinical testing. Allele origin: germline.

Labcorp Genetics (formerly Invitae), Labcorp
Classification: Uncertain significance. Last evaluated: 2022-08-05. Review status: criteria provided, single submitter. Criteria: Invitae Variant Classification Sherloc (09022015). Collection method: clinical testing. Allele origin: germline.
Comment: This sequence change replaces aspartic acid, which is acidic and polar, with glycine, which is neutral and non-polar, at codon 1461 of the TTC37 protein (p.Asp1461Gly). This variant is present in population databases (rs766633696, gnomAD 0.004%). This variant has not been reported in the literature in individuals affected with TTC37-related conditions. ClinVar contains an entry for this variant (Variation ID: 1030341). Algorithms developed to predict the effect of missense changes on protein structure and function (SIFT, PolyPhen-2, Align-GVGD) all suggest that this variant is likely to be tolerated. In summary, the available evidence is currently insufficient to determine the role of this variant in disease. Therefore, it has been classified as a Variant of Uncertain Significance.

Baylor Genetics
Classification: Uncertain significance for Trichohepatoenteric syndrome 1. Last evaluated: 2019-03-02. Review status: criteria provided, single submitter. Criteria: ACMG Guidelines, 2015. Collection method: clinical testing. Allele origin: paternal. Affected: yes.
Comment: This variant was determined to be of uncertain significance according to ACMG Guidelines, 2015 [PMID:25741868].